The following is an entry in ClinVar:

ClinVar aggregate classification (germline): Uncertain significance (1 of 4 stars; one submission).

Conditions:
Tay-Sachs disease (TSD). Also called: HEXA Disorders; HEXA DEFICIENCY; GM2 gangliosidosis, type 1; Hexosaminidase alpha-subunit deficiency (variant B); Sphingolipidosis, Tay-Sachs; Hexosaminidase A Deficiency. Identifiers: Orphanet 845, MedGen C0039373, MONDO:0010100, OMIM 272800.

Allele frequency attached by ClinVar (database versions not stated): gnomAD exomes below 0.00001.
gnomAD v4.1: 1 of 1,613,582 alleles (0.000062%); highest among the groups gnomAD compares: Non-Finnish European, 0.000085%; no homozygotes.

Submission:

Labcorp Genetics (formerly Invitae), Labcorp
Classification: Uncertain significance for Tay-Sachs disease. Last evaluated: 2022-08-01. Review status: criteria provided, single submitter. Criteria: Invitae Variant Classification Sherloc (09022015). Collection method: clinical testing. Allele origin: germline.
Comment: In summary, the available evidence is currently insufficient to determine the role of this variant in disease. Therefore, it has been classified as a Variant of Uncertain Significance. Algorithms developed to predict the effect of missense changes on protein structure and function are either unavailable or do not agree on the potential impact of this missense change (SIFT: "Tolerated"; PolyPhen-2: "Probably Damaging"; Align-GVGD: "Class C0"). This variant has not been reported in the literature in individuals affected with HEXA-related conditions. This variant is not present in population databases (gnomAD no frequency). This sequence change replaces histidine, which is basic and polar, with aspartic acid, which is acidic and polar, at codon 169 of the HEXA protein (p.His169Asp).

NM_000520.6(HEXA):c.505C>G (p.His169Asp)

Gene: HEXA (hexosaminidase subunit alpha; minus strand). Cytogenetic location: 15q23.
Variant type: single nucleotide variant.
Coding change: c.505C>G on transcript NM_000520.6 (MANE Select); coding-DNA position 505, C replaced by G.
Protein change: p.His169Asp; replaces histidine 169 with aspartic acid.
Molecular consequence: missense variant. On other transcripts: non-coding transcript variant (1).
Genome position (GRCh38, 1-based): chr15:72,353,133, G>C on the plus strand (C>G on the coding strand, the complement: HEXA is on the minus strand). VCF-style: chr15-72353133-G-C. GRCh37 (hg19) VCF-style: chr15-72645474-G-C.
Other names: c.538C>G, p.His180Asp (NM_001318825.2); short protein forms H180D, H169D.
Identifiers: ClinVar variation 1952030 (VCV001952030.5), dbSNP rs2088723994, ClinGen allele CA393064952.
Genomic context (GRCh38, chr15:72,353,133, plus strand): 5'-TGTCCAGGATGCTAGAGAGTGGCAGGTAATGGCGAGATGTATCCAACAGCAAGCCCCGGT[G>C]AGGAAAGCGGGGAAAGTCCTCAATCTCAGTCTTGTTGATAAAGAACTGTGCAGAACAAAC-3'
Protein context (NP_000511.2, residues 159-179): TEIEDFPRFP[His169Asp]RGLLLDTSRH